The following is an entry in ClinVar:

ClinVar aggregate classification (germline): Uncertain significance (1 of 4 stars; one submission).

Conditions:
Granulomatous disease, chronic, X-linked. Also called: CYTOCHROME b-NEGATIVE GRANULOMATOUS DISEASE, CHRONIC, X-LINKED; GRANULOMATOUS DISEASE, CHRONIC, X-LINKED, SOMATIC MOSAIC. Identifiers: Orphanet 379, MedGen C1844376, MONDO:0010600, OMIM 306400.

Submission:

Labcorp Genetics (formerly Invitae), Labcorp
Classification: Uncertain significance for Granulomatous disease, chronic, X-linked. Last evaluated: 2024-04-22. Review status: criteria provided, single submitter. Criteria: Invitae Variant Classification Sherloc (09022015). Collection method: clinical testing. Allele origin: germline.
Comment: This sequence change replaces glycine, which is neutral and non-polar, with alanine, which is neutral and non-polar, at codon 504 of the CYBB protein (p.Gly504Ala). This variant is not present in population databases (gnomAD no frequency). This variant has not been reported in the literature in individuals affected with CYBB-related conditions. Advanced modeling of protein sequence and biophysical properties (such as structural, functional, and spatial information, amino acid conservation, physicochemical variation, residue mobility, and thermodynamic stability) performed at Invitae indicates that this missense variant is not expected to disrupt CYBB protein function with a negative predictive value of 80%. In summary, the available evidence is currently insufficient to determine the role of this variant in disease. Therefore, it has been classified as a Variant of Uncertain Significance.

NM_000397.4(CYBB):c.1511G>C (p.Gly504Ala)

Gene: CYBB (cytochrome b-245 beta chain; plus strand). Cytogenetic location: Xp11.4.
Variant type: single nucleotide variant.
Coding change: c.1511G>C on transcript NM_000397.4 (MANE Select); coding-DNA position 1511, G replaced by C.
Protein change: p.Gly504Ala; replaces glycine 504 with alanine.
Molecular consequence: missense variant.
Genome position (GRCh38, 1-based): chrX:37,809,616, G>C. VCF-style: chrX-37809616-G-C. GRCh37 (hg19) VCF-style: chrX-37668869-G-C.
Other names: short protein forms G504A.
Identifiers: ClinVar variation 3680345 (VCV003680345.2).
Genomic context (GRCh38, chrX:37,809,616, plus strand): 5'-CTTTCCTGTAGGCCAATCACTTTGCTGTGCACCATGATGAGGAGAAAGATGTGATCACAG[G>C]CCTGAAACAAAAGACTTTGTATGGACGGCCCAACTGGGATAATGAATTCAAGACAATTGC-3'
Protein context (NP_000388.2, residues 494-514): HHDEEKDVIT[Gly504Ala]LKQKTLYGRP